The following is an entry in ClinVar:

ClinVar aggregate classification (germline): Likely pathogenic (1 of 4 stars; one submission).

Submission:

Labcorp Genetics (formerly Invitae), Labcorp
Classification: Likely pathogenic. Last evaluated: 2023-04-28. Review status: criteria provided, single submitter. Criteria: Invitae Variant Classification Sherloc (09022015). Collection method: clinical testing. Allele origin: germline.
Comment: This sequence change affects an acceptor splice site in intron 2 of the ALPL gene. It is expected to disrupt RNA splicing. Variants that disrupt the donor or acceptor splice site typically lead to a loss of protein function (PMID: 16199547), and loss-of-function variants in ALPL are known to be pathogenic (PMID: 3174660, 10679946, 32973344, 33814268). In summary, the currently available evidence indicates that the variant is pathogenic, but additional data are needed to prove that conclusively. Therefore, this variant has been classified as Likely Pathogenic. Algorithms developed to predict the effect of sequence changes on RNA splicing suggest that this variant may disrupt the consensus splice site. This variant has not been reported in the literature in individuals affected with ALPL-related conditions. This variant is not present in population databases (gnomAD no frequency).

Literature cited by the submitters: PubMed 16199547; PubMed 3174660; PubMed 10679946; PubMed 32973344; PubMed 33814268.

NM_000478.6(ALPL):c.62-1G>A

Gene: ALPL (alkaline phosphatase, biomineralization associated; plus strand). Cytogenetic location: 1p36.12.
Variant type: single nucleotide variant.
Coding change: c.62-1G>A on transcript NM_000478.6 (MANE Select); the canonical splice acceptor site of the intron before coding-DNA position 62, G replaced by A.
Molecular consequence: splice acceptor variant.
Genome position (GRCh38, 1-based): chr1:21,560,625, G>A. VCF-style: chr1-21560625-G-A. GRCh37 (hg19) VCF-style: chr1-21887118-G-A.
Other names: c.62-1G>A (NM_001369805.2, NM_001369804.2, NM_001369803.2); c.-104-1G>A (NM_001127501.4); c.-54-1G>A (NM_001177520.3).
Identifiers: ClinVar variation 2860222 (VCV002860222.3), dbSNP rs2148150795, ClinGen allele CA338877417.
Genomic context (GRCh38, chr1:21,560,625, plus strand): 5'-TACGTCTGGAGATAGGAGGCTATCCTTACCCCGCCAAGTAACTGCCTCTCTCTGTGTTTA[G>A]AGAAAGAGAAAGACCCCAAGTACTGGCGAGACCAAGCGCAAGAGACACTGAAATATGCCC-3'